The following is an entry in ClinVar:

NM_000066.4(C8B):c.659C>A (p.Thr220Lys)

Gene: C8B (complement C8 beta chain; minus strand). Cytogenetic location: 1p32.2.
Variant type: single nucleotide variant.
Coding change: c.659C>A on transcript NM_000066.4 (MANE Select); coding-DNA position 659, C replaced by A.
Protein change: p.Thr220Lys; replaces threonine 220 with lysine.
Molecular consequence: missense variant.
Genome position (GRCh38, 1-based): chr1:56,952,055, G>T on the plus strand (C>A on the coding strand, the complement: C8B is on the minus strand). VCF-style: chr1-56952055-G-T. GRCh37 (hg19) VCF-style: chr1-57417728-G-T.
Other names: c.503C>A, p.Thr168Lys (NM_001278543.2); c.473C>A, p.Thr158Lys (NM_001278544.2); c.659C>A (NM_000066.2); short protein forms T220K, T168K, T158K.
Identifiers: ClinVar variation 1511289 (VCV001511289.8), dbSNP rs374321085, ClinGen allele CA875907.

ClinVar aggregate classification (germline): Uncertain significance. Review status: criteria provided, multiple submitters, no conflicts (2 of 4 stars). 3 submissions from 3 submitters: Uncertain significance (3). Last evaluated 2021-12-03.

Conditions:
Inborn genetic diseases. Identifiers: MedGen C0950123, MeSH D030342.
Type II complement component 8 deficiency. Also called: COMPLEMENT C8 DEFICIENCY, TYPE II; C8 BETA DEFICIENCY; C8B DEFICIENCY; COMPLEMENT COMPONENT 8B DEFICIENCY. Identifiers: MedGen C3151080, MONDO:0013421, OMIM 613789.

Allele frequency attached by ClinVar (database versions not stated): 1000 Genomes Project 30x 0.00016; 1000 Genomes Project 0.00020.
gnomAD v4.1: 138 of 1,614,054 alleles (0.0085%); highest among the groups gnomAD compares: South Asian, 0.14%; 1 homozygote.

Submissions (3):

Ambry Genetics
Classification: Uncertain significance for Inborn genetic diseases. Last evaluated: 2021-12-03. Review status: criteria provided, single submitter. Criteria: Ambry Variant Classification Scheme 2023. Collection method: clinical testing. Allele origin: germline.

Labcorp Genetics (formerly Invitae), Labcorp
Classification: Uncertain significance. Last evaluated: 2021-09-21. Review status: criteria provided, single submitter. Criteria: Invitae Variant Classification Sherloc (09022015). Collection method: clinical testing. Allele origin: germline.
Comment: This sequence change replaces threonine with lysine at codon 220 of the C8B protein (p.Thr220Lys). The threonine residue is moderately conserved and there is a moderate physicochemical difference between threonine and lysine. This variant is present in population databases (rs374321085, ExAC 0.09%). This variant has not been reported in the literature in individuals affected with C8B-related conditions. Algorithms developed to predict the effect of missense changes on protein structure and function are either unavailable or do not agree on the potential impact of this missense change (SIFT: "Deleterious"; PolyPhen-2: "Benign"; Align-GVGD: "Class C0"). In summary, the available evidence is currently insufficient to determine the role of this variant in disease. Therefore, it has been classified as a Variant of Uncertain Significance.

Revvity Omics, Revvity
Classification: Uncertain significance for Type II complement component 8 deficiency. Last evaluated: 2020-04-02. Review status: criteria provided, single submitter. Criteria: ACMG Guidelines, 2015. Collection method: clinical testing. Allele origin: germline.